The following is an entry in ClinVar:

NM_000310.4(PPT1):c.125-5G>A

Gene: PPT1 (palmitoyl-protein thioesterase 1; minus strand). Cytogenetic location: 1p34.2.
Variant type: single nucleotide variant.
Coding change: c.125-5G>A on transcript NM_000310.4 (MANE Select); 5 bases into the intron before coding-DNA position 125, G replaced by A.
Molecular consequence: intron variant.
Genome position (GRCh38, 1-based): chr1:40,092,512, C>T on the plus strand (G>A on the coding strand, the complement: PPT1 is on the minus strand). VCF-style: chr1-40092512-C-T. GRCh37 (hg19) VCF-style: chr1-40558184-C-T.
Other names: c.125-3000G>A (NM_001142604.2); c.125-5G>A (NM_001363695.2).
Identifiers: ClinVar variation 390592 (VCV000390592.9), dbSNP rs777893002, ClinGen allele CA789794.

ClinVar aggregate classification (germline): Likely benign. Review status: criteria provided, multiple submitters, no conflicts (2 of 4 stars). 2 submissions from 2 submitters: Likely benign (2). Last evaluated 2023-11-15.

Conditions:
Neuronal ceroid lipofuscinosis 1 (CLN1). Also called: CEROID LIPOFUSCINOSIS, NEURONAL, 1, VARIABLE AGE AT ONSET; PPT1-Related Neuronal Ceroid-Lipofuscinosis. Identifiers: Orphanet 228329, MedGen C1850451, MONDO:0009744, OMIM 256730.

Allele frequency attached by ClinVar (database versions not stated): gnomAD exomes below 0.00001 and 0.00001; ExAC 0.00001.
gnomAD v4.1: 4 of 1,594,646 alleles (0.00025%); highest among the groups gnomAD compares: Middle Eastern, 0.017%; no homozygotes.

Submissions (2):

Labcorp Genetics (formerly Invitae), Labcorp
Classification: Likely benign for Neuronal ceroid lipofuscinosis 1. Last evaluated: 2023-11-15. Review status: criteria provided, single submitter. Criteria: Invitae Variant Classification Sherloc (09022015). Collection method: clinical testing. Allele origin: germline.

GeneDx
Classification: Likely benign. Last evaluated: 2017-06-21. Review status: criteria provided, single submitter. Criteria: GeneDx Variant Classification (06012015). Collection method: clinical testing. Allele origin: germline. Affected: yes.
Comment: This variant is considered likely benign or benign based on one or more of the following criteria: it is a conservative change, it occurs at a poorly conserved position in the protein, it is predicted to be benign by multiple in silico algorithms, and/or has population frequency not consistent with disease.